The following is an entry in ClinVar:

ClinVar aggregate classification (germline): Uncertain significance (1 of 4 stars; one submission).

Conditions:
Landau-Kleffner syndrome (FESD). Also called: EPILEPSY, FOCAL, WITH SPEECH DISORDER AND WITH OR WITHOUT MENTAL RETARDATION; APHASIA, ACQUIRED, WITH EPILEPSY. Identifiers: Orphanet 1945, Orphanet 725, Orphanet 98818, MedGen C0282512, MONDO:0009509, OMIM 245570.

Submission:

Neuberg Centre For Genomic Medicine, NCGM
Classification: Uncertain significance for Landau-Kleffner syndrome. Review status: criteria provided, single submitter. Criteria: ACMG Guidelines, 2015. Collection method: clinical testing. Allele origin: germline. Inheritance: Autosomal dominant inheritance. Affected: yes.
Comment: The missense c.3385C>T p.His1129Tyr variant in GRIN2A gene has not been reported previously as a pathogenic variant nor as a benign variant, to our knowledge. The p.His1129Tyr variant is novel not in any individuals in gnomAD Exomes and 1000 Genomes. This variant has not been reported to the ClinVar database. The amino acid change p.His1129Tyr in GRIN2A is predicted as conserved by GERP++ and PhyloP across 100 vertebrates. The amino acid His at position 1129 is changed to a Tyr changing protein sequence and it might alter its composition and physico-chemical properties. For these reasons, this variant has been classified as a Variant of Uncertain Significance VUS.

NM_001134407.3(GRIN2A):c.3385C>T (p.His1129Tyr)

Gene: GRIN2A (glutamate ionotropic receptor NMDA type subunit 2A; minus strand). Cytogenetic location: 16p13.2.
Variant type: single nucleotide variant.
Coding change: c.3385C>T on transcript NM_001134407.3 (MANE Select); coding-DNA position 3385, C replaced by T.
Protein change: p.His1129Tyr; replaces histidine 1129 with tyrosine.
Molecular consequence: missense variant.
Genome position (GRCh38, 1-based): chr16:9,764,159, G>A on the plus strand (C>T on the coding strand, the complement: GRIN2A is on the minus strand). VCF-style: chr16-9764159-G-A. GRCh37 (hg19) VCF-style: chr16-9858016-G-A.
Other names: c.3385C>T, p.His1129Tyr (NM_000833.5, NM_001134408.2); short protein forms H1129Y.
Identifiers: ClinVar variation 3234998 (VCV003234998.1), dbSNP rs2141132788, ClinGen allele CA394707981.